The following is an entry in ClinVar:

ClinVar aggregate classification (germline): Likely pathogenic (1 of 4 stars; one submission).

Conditions:
Centromeric instability of chromosomes 1,9 and 16 and immunodeficiency (ICF1). Also called: IMMUNE DEFICIENCY, VARIABLE, WITH CENTROMERIC INSTABILITY OF CHROMOSOMES 1, 9, AND 16; IMMUNODEFICIENCY SYNDROME, VARIABLE; Immunodeficiency-centromeric instability-facial anomalies; CENTROMERIC INSTABILITY, IMMUNODEFICIENCY SYNDROME. Identifiers: Orphanet 2268, MedGen C0398788, MONDO:0000133.

Allele frequency attached by ClinVar (database versions not stated): gnomAD exomes 0.00001.
gnomAD v4.1: 14 of 1,614,094 alleles (0.00087%); highest among the groups gnomAD compares: Non-Finnish European, 0.0012%; no homozygotes.

Submission:

Labcorp Genetics (formerly Invitae), Labcorp
Classification: Likely pathogenic for Centromeric instability of chromosomes 1,9 and 16 and immunodeficiency. Last evaluated: 2023-05-22. Review status: criteria provided, single submitter. Criteria: Invitae Variant Classification Sherloc (09022015). Collection method: clinical testing. Allele origin: germline.
Comment: In summary, the currently available evidence indicates that the variant is pathogenic, but additional data are needed to prove that conclusively. Therefore, this variant has been classified as Likely Pathogenic. Algorithms developed to predict the effect of sequence changes on RNA splicing suggest that this variant may create or strengthen a splice site. Experimental studies have shown that this missense change affects DNMT3B function (PMID: 16543361, 21549127). Advanced modeling of protein sequence and biophysical properties (such as structural, functional, and spatial information, amino acid conservation, physicochemical variation, residue mobility, and thermodynamic stability) performed at Invitae indicates that this missense variant is expected to disrupt DNMT3B protein function. This missense change has been observed in individual(s) with clinical features of DNMT3B-related conditions and/or ICF syndrome (PMID: 11102980, 17893117; Invitae). In at least one individual the data is consistent with being in trans (on the opposite chromosome) from a pathogenic variant. This variant is present in population databases (no rsID available, gnomAD 0.0009%). This sequence change replaces alanine, which is neutral and non-polar, with proline, which is neutral and non-polar, at codon 766 of the DNMT3B protein (p.Ala766Pro).

Literature cited by the submitters: PubMed 16543361; PubMed 21549127; PubMed 11102980; PubMed 17893117.

NM_006892.4(DNMT3B):c.2296G>C (p.Ala766Pro)

Gene: DNMT3B (DNA methyltransferase 3 beta; plus strand). Cytogenetic location: 20q11.21.
Variant type: single nucleotide variant.
Coding change: c.2296G>C on transcript NM_006892.4 (MANE Select); coding-DNA position 2296, G replaced by C.
Protein change: p.Ala766Pro; replaces alanine 766 with proline.
Molecular consequence: missense variant. On other transcripts: intron variant (7).
Genome position (GRCh38, 1-based): chr20:32,805,402, G>C. VCF-style: chr20-32805402-G-C. GRCh37 (hg19) VCF-style: chr20-31393208-G-C.
Other names: c.2296G>C, p.Ala766Pro (NM_001424351.1); c.2170G>C, p.Ala724Pro (NM_001424352.1, NM_001424356.1); c.2236G>C, p.Ala746Pro (NM_001424353.1, NM_175848.2); c.2110G>C, p.Ala704Pro (NM_001424354.1, NM_001424357.1); c.2272G>C, p.Ala758Pro (NM_175850.3); c.2232-2360G>C (NM_001424355.1); c.2172-2360G>C (NM_175849.2); c.2106-2360G>C (NM_001424358.1); and 4 more; short protein forms A704P, A746P, A758P, A724P, A766P.
Identifiers: ClinVar variation 2736959 (VCV002736959.3), dbSNP rs1191203668, ClinGen allele CA408592233.
Genomic context (GRCh38, chr20:32,805,402, plus strand): 5'-GTGATAGCATCAAAGAATGATAAACTCGAGCTGCAGGACTGCTTGGAATACAATAGGATA[G>C]CCAAGGTAAGACGAGCTGTGGCCCTCTGGAAAAATGCACTTGGTGACCTCCAAGTGGGGA-3'
Protein context (NP_008823.1, residues 756-776): LQDCLEYNRI[Ala766Pro]KLKKVQTITT